The following is an entry in ClinVar:

ClinVar aggregate classification (germline): Uncertain significance (1 of 4 stars; one submission).

Allele frequency attached by ClinVar (database versions not stated): gnomAD exomes 0.00001 and 0.00002; gnomAD 0.00002; TOPMed 0.00002; ExAC 0.00003.
gnomAD v4.1: 16 of 1,613,754 alleles (0.00099%); highest among the groups gnomAD compares: African/African-American, 0.0067%; no homozygotes.

Submission:

Labcorp Genetics (formerly Invitae), Labcorp
Classification: Uncertain significance. Last evaluated: 2022-07-26. Review status: criteria provided, single submitter. Criteria: Invitae Variant Classification Sherloc (09022015). Collection method: clinical testing. Allele origin: germline.
Comment: This sequence change replaces arginine, which is basic and polar, with glutamine, which is neutral and polar, at codon 336 of the MTHFD1 protein (p.Arg336Gln). This variant is present in population databases (rs751140489, gnomAD 0.01%). This variant has not been reported in the literature in individuals affected with MTHFD1-related conditions. ClinVar contains an entry for this variant (Variation ID: 1517546). Algorithms developed to predict the effect of missense changes on protein structure and function (SIFT, PolyPhen-2, Align-GVGD) all suggest that this variant is likely to be tolerated. In summary, the available evidence is currently insufficient to determine the role of this variant in disease. Therefore, it has been classified as a Variant of Uncertain Significance.

NM_005956.4(MTHFD1):c.1007G>A (p.Arg336Gln)

Gene: MTHFD1 (methylenetetrahydrofolate dehydrogenase, cyclohydrolase and formyltetrahydrofolate synthetase 1; plus strand). Cytogenetic location: 14q23.3.
Variant type: single nucleotide variant.
Coding change: c.1007G>A on transcript NM_005956.4 (MANE Select); coding-DNA position 1007, G replaced by A.
Protein change: p.Arg336Gln; replaces arginine 336 with glutamine.
Molecular consequence: missense variant.
Genome position (GRCh38, 1-based): chr14:64,426,072, G>A. VCF-style: chr14-64426072-G-A. GRCh37 (hg19) VCF-style: chr14-64892790-G-A.
Other names: c.1007G>A, p.Arg336Gln (NM_001364837.1); short protein forms R336Q.
Identifiers: ClinVar variation 1517546 (VCV001517546.5), dbSNP rs751140489, ClinGen allele CA7226100.